The following is an entry in ClinVar:

NM_001384140.1(PCDH15):c.1420C>G (p.Gln474Glu)

Gene: PCDH15 (protocadherin related 15; minus strand). Cytogenetic location: 10q21.1.
Variant type: single nucleotide variant.
Coding change: c.1420C>G on transcript NM_001384140.1 (MANE Select); coding-DNA position 1420, C replaced by G.
Protein change: p.Gln474Glu; replaces glutamine 474 with glutamic acid.
Molecular consequence: missense variant.
Genome position (GRCh38, 1-based): chr10:54,185,154, G>C on the plus strand (C>G on the coding strand, the complement: PCDH15 is on the minus strand). VCF-style: chr10-54185154-G-C. GRCh37 (hg19) VCF-style: chr10-55944914-G-C.
Other names: c.1435C>G, p.Gln479Glu (NM_001142763.2, NM_001142771.2); c.1420C>G, p.Gln474Glu (NM_001142764.2, NM_001142765.2, NM_001142766.2 and 6 more transcripts); c.1309C>G, p.Gln437Glu (NM_001142767.2); c.1354C>G, p.Gln452Glu (NM_001142768.2, NM_001142773.2, NM_001354404.2); c.1456C>G, p.Gln486Glu (NM_001142769.4); c.1441C>G, p.Gln481Glu (NM_001354411.2); short protein forms Q452E, Q479E, Q481E, Q486E, Q437E, Q474E.
Identifiers: ClinVar variation 2109763 (VCV002109763.4), dbSNP rs1392547442, ClinGen allele CA376515096.

ClinVar aggregate classification (germline): Uncertain significance (1 of 4 stars; one submission).

Allele frequency attached by ClinVar (database versions not stated): TOPMed below 0.00001.
gnomAD v4.1: 2 of 1,613,480 alleles (0.00012%); highest among the groups gnomAD compares: South Asian, 0.0022%; no homozygotes.

Submission:

Labcorp Genetics (formerly Invitae), Labcorp
Classification: Uncertain significance. Last evaluated: 2022-11-22. Review status: criteria provided, single submitter. Criteria: Invitae Variant Classification Sherloc (09022015). Collection method: clinical testing. Allele origin: germline.
Comment: This sequence change replaces glutamine, which is neutral and polar, with glutamic acid, which is acidic and polar, at codon 474 of the PCDH15 protein (p.Gln474Glu). This variant is not present in population databases (gnomAD no frequency). This variant has not been reported in the literature in individuals affected with PCDH15-related conditions. Advanced modeling of protein sequence and biophysical properties (such as structural, functional, and spatial information, amino acid conservation, physicochemical variation, residue mobility, and thermodynamic stability) performed at Invitae indicates that this missense variant is expected to disrupt PCDH15 protein function. In summary, the available evidence is currently insufficient to determine the role of this variant in disease. Therefore, it has been classified as a Variant of Uncertain Significance.